The following is an entry in ClinVar:

NM_000016.6(ACADM):c.307T>C (p.Phe103Leu)

Gene: ACADM (acyl-CoA dehydrogenase medium chain; plus strand). Cytogenetic location: 1p31.1.
Variant type: single nucleotide variant.
Coding change: c.307T>C on transcript NM_000016.6 (MANE Select); coding-DNA position 307, T replaced by C.
Protein change: p.Phe103Leu; replaces phenylalanine 103 with leucine.
Molecular consequence: missense variant. On other transcripts: intron variant (1).
Genome position (GRCh38, 1-based): chr1:75,733,548, T>C. VCF-style: chr1-75733548-T-C. GRCh37 (hg19) VCF-style: chr1-76199233-T-C.
Other names: c.319T>C, p.Phe107Leu (NM_001127328.3); c.199T>C, p.Phe67Leu (NM_001286042.2); c.406T>C, p.Phe136Leu (NM_001286043.2); c.-100+626T>C (NM_001286044.2); short protein forms F103L, F107L, F67L, F136L.
Identifiers: ClinVar variation 2817895 (VCV002817895.3), dbSNP rs1647187648, ClinGen allele CA340811891.

ClinVar aggregate classification (germline): Likely pathogenic (1 of 4 stars; one submission).

Conditions:
Medium-chain acyl-coenzyme A dehydrogenase deficiency (ACADMD). Also called: MCADD; MCAD Deficiency; CARNITINE DEFICIENCY SECONDARY TO MEDIUM-CHAIN ACYL-CoA DEHYDROGENASE DEFICIENCY; ACADM DEFICIENCY; Medium chain acyl-CoA dehydrogenase deficiency; MCADH DEFICIENCY. Identifiers: Orphanet 42, MedGen C0220710, MONDO:0008721, OMIM 201450.

Allele frequency attached by ClinVar (database versions not stated): gnomAD exomes below 0.00001; TOPMed below 0.00001.
gnomAD v4.1: 2 of 1,614,068 alleles (0.00012%); highest among the groups gnomAD compares: Non-Finnish European, 0.00017%; no homozygotes.

Submission:

Labcorp Genetics (formerly Invitae), Labcorp
Classification: Likely pathogenic for Medium-chain acyl-coenzyme A dehydrogenase deficiency. Last evaluated: 2024-08-02. Review status: criteria provided, single submitter. Criteria: Invitae Variant Classification Sherloc (09022015). Collection method: clinical testing. Allele origin: germline.
Comment: This sequence change replaces phenylalanine, which is neutral and non-polar, with leucine, which is neutral and non-polar, at codon 103 of the ACADM protein (p.Phe103Leu). This variant is not present in population databases (gnomAD no frequency). This missense change has been observed in individual(s) with biochemical features of medium-chain acyl-coenzyme A dehydrogenase deficiency (Invitae). In at least one individual the data is consistent with being in trans (on the opposite chromosome) from a pathogenic variant. Advanced modeling of protein sequence and biophysical properties (such as structural, functional, and spatial information, amino acid conservation, physicochemical variation, residue mobility, and thermodynamic stability) performed at Invitae indicates that this missense variant is not expected to disrupt ACADM protein function with a negative predictive value of 80%. This variant disrupts the p.Phe103 amino acid residue in ACADM. Other variant(s) that disrupt this residue have been determined to be pathogenic (PMID: 33841490). This suggests that this residue is clinically significant, and that variants that disrupt this residue are likely to be disease-causing. In summary, the currently available evidence indicates that the variant is pathogenic, but additional data are needed to prove that conclusively. Therefore, this variant has been classified as Likely Pathogenic.

Literature cited by the submitters: PubMed 33841490.